The following is an entry in ClinVar:

ClinVar aggregate classification (germline): Uncertain significance (1 of 4 stars; one submission).

Conditions:
Hypertrophic cardiomyopathy. Also called: HYPERTROPHIC MYOCARDIOPATHY. Identifiers: Orphanet 217569, MedGen C0007194, MeSH D002312, MONDO:0005045, HP:0001639.

Submission:

Labcorp Genetics (formerly Invitae), Labcorp
Classification: Uncertain significance for Hypertrophic cardiomyopathy. Last evaluated: 2025-12-07. Review status: criteria provided, single submitter. Criteria: Invitae Variant Classification Sherloc (09022015). Collection method: clinical testing. Allele origin: germline.
Comment: This variant, c.2528_2716del, results in the deletion of 63 amino acid(s) of the MYOM1 protein (p.Val843_Glu905del), but otherwise preserves the integrity of the reading frame. This variant is not present in population databases (gnomAD no frequency). This variant has not been reported in the literature in individuals affected with MYOM1-related conditions. Experimental studies and prediction algorithms are not available or were not evaluated, and the functional significance of this variant is currently unknown. In summary, the available evidence is currently insufficient to determine the role of this variant in disease. Therefore, it has been classified as a Variant of Uncertain Significance.

NM_003803.4(MYOM1):c.2528_2716del (p.Val843_Glu905del)

Gene: MYOM1 (myomesin 1; minus strand). Cytogenetic location: 18p11.31.
Variant type: Deletion.
Coding change: c.2528_2716del on transcript NM_003803.4 (MANE Select); coding-DNA positions 2528 to 2716, 189 bases deleted.
Protein change: p.Val843_Glu905del.
Molecular consequence: inframe deletion. On other transcripts: intron variant (1).
Genome position (GRCh38, 1-based): chr18:3,129,310-3,129,498, 189 bases deleted. GRCh37 (hg19): chr18:3,129,309-3,129,497.
Other names: c.2506+1877_2506+2065del (NM_019856.2).
Identifiers: ClinVar variation 4732600 (VCV004732600.1).